The following is an entry in ClinVar:

NM_002693.3(POLG):c.2778C>G (p.Ser926Arg)

Gene: POLG (DNA polymerase gamma, catalytic subunit; minus strand). Cytogenetic location: 15q26.1.
Variant type: single nucleotide variant.
Coding change: c.2778C>G on transcript NM_002693.3 (MANE Select); coding-DNA position 2778, C replaced by G.
Protein change: p.Ser926Arg; replaces serine 926 with arginine.
Molecular consequence: missense variant.
Genome position (GRCh38, 1-based): chr15:89,320,969, G>C on the plus strand (C>G on the coding strand, the complement: POLG is on the minus strand). VCF-style: chr15-89320969-G-C. GRCh37 (hg19) VCF-style: chr15-89864200-G-C.
Other names: c.2778C>G, p.Ser926Arg (NM_001126131.2); short protein forms S926R.
Identifiers: ClinVar variation 1040031 (VCV001040031.9), dbSNP rs1347519358, ClinGen allele CA393753163.

ClinVar aggregate classification (germline): Uncertain significance (1 of 4 stars; one submission).

Conditions:
Progressive sclerosing poliodystrophy (MTDPS4A). Also called: NEURONAL DEGENERATION OF CHILDHOOD WITH LIVER DISEASE, PROGRESSIVE; Alpers-Huttenlocher Syndrome (AHS); ALPERS PROGRESSIVE INFANTILE POLIODYSTROPHY; Mitochondrial DNA Depletion Syndrome 4A; Alpers Syndrome; ALPERS DIFFUSE DEGENERATION OF CEREBRAL GRAY MATTER WITH HEPATIC CIRRHOSIS. Identifiers: Orphanet 726, MedGen C0205710, MONDO:0008758, OMIM 203700.

Allele frequency attached by ClinVar (database versions not stated): TOPMed below 0.00001; gnomAD 0.00001; gnomAD exomes 0.00001.

Submission:

Labcorp Genetics (formerly Invitae), Labcorp
Classification: Uncertain significance for Progressive sclerosing poliodystrophy. Last evaluated: 2023-09-27. Review status: criteria provided, single submitter. Criteria: Invitae Variant Classification Sherloc (09022015). Collection method: clinical testing. Allele origin: germline.
Comment: This variant is not present in population databases (gnomAD no frequency). This sequence change replaces serine, which is neutral and polar, with arginine, which is basic and polar, at codon 926 of the POLG protein (p.Ser926Arg). In summary, the available evidence is currently insufficient to determine the role of this variant in disease. Therefore, it has been classified as a Variant of Uncertain Significance. Advanced modeling of protein sequence and biophysical properties (such as structural, functional, and spatial information, amino acid conservation, physicochemical variation, residue mobility, and thermodynamic stability) performed at Invitae indicates that this missense variant is expected to disrupt POLG protein function. ClinVar contains an entry for this variant (Variation ID: 1040031). This variant has not been reported in the literature in individuals affected with POLG-related conditions.